The following is an entry in ClinVar:

ClinVar aggregate classification (germline): Uncertain significance (1 of 4 stars; one submission).

gnomAD v4.1: 10 of 1,613,906 alleles (0.00062%); highest among the groups gnomAD compares: Middle Eastern, 0.016%; no homozygotes.

Submission:

Labcorp Genetics (formerly Invitae), Labcorp
Classification: Uncertain significance. Last evaluated: 2025-09-09. Review status: criteria provided, single submitter. Criteria: Invitae Variant Classification Sherloc (09022015). Collection method: clinical testing. Allele origin: germline.
Comment: This sequence change replaces valine, which is neutral and non-polar, with methionine, which is neutral and non-polar, at codon 1125 of the KANK1 protein (p.Val1125Met). This variant is present in population databases (rs148400033, gnomAD 0.01%). This variant has not been reported in the literature in individuals affected with KANK1-related conditions. Invitae Evidence Modeling of protein sequence and biophysical properties (such as structural, functional, and spatial information, amino acid conservation, physicochemical variation, residue mobility, and thermodynamic stability) indicates that this missense variant is expected to disrupt KANK1 protein function with a positive predictive value of 80%. In summary, the available evidence is currently insufficient to determine the role of this variant in disease. Therefore, it has been classified as a Variant of Uncertain Significance.

NM_015158.5(KANK1):c.3373G>A (p.Val1125Met)

Genes: KANK1 (KN motif and ankyrin repeat domains 1; plus strand), LOC126860554 (MED14-independent group 3 enhancer GRCh37_chr9:737889-739088; plus strand). Cytogenetic location: 9p24.3.
Variant type: single nucleotide variant.
Coding change: c.3373G>A on transcript NM_015158.5 (MANE Select); coding-DNA position 3373, G replaced by A.
Protein change: p.Val1125Met; replaces valine 1125 with methionine.
Molecular consequence: missense variant. On other transcripts: non-coding transcript variant (1).
Genome position (GRCh38, 1-based): chr9:738,324, G>A. VCF-style: chr9-738324-G-A. GRCh37 (hg19) VCF-style: chr9-738324-G-A.
Other names: c.3373G>A, p.Val1125Met (NM_001256876.3, NM_001256877.3, NM_001354334.2 and 1 more transcripts); c.3133G>A, p.Val1045Met (NM_001354331.2); c.3319G>A, p.Val1107Met (NM_001354332.2); c.2899G>A, p.Val967Met (NM_001354333.2, NM_001354335.2, NM_001354337.2 and 2 more transcripts); c.2605G>A, p.Val869Met (NM_001354336.2, NM_001438411.1); c.2845G>A, p.Val949Met (NM_001354338.2, NM_001354340.2, NM_001354344.2); c.2659G>A, p.Val887Met (NM_001354339.2, NM_001354342.2, NM_001354343.2); short protein forms V887M, V1045M, V1107M, V1125M, V949M, V967M, V869M.
Identifiers: ClinVar variation 4695996 (VCV004695996.1).